The following is an entry in ClinVar:

ClinVar aggregate classification (germline): Pathogenic (1 of 4 stars; one submission).

Submission:

Labcorp Genetics (formerly Invitae), Labcorp
Classification: Pathogenic. Last evaluated: 2022-07-06. Review status: criteria provided, single submitter. Criteria: Invitae Variant Classification Sherloc (09022015). Collection method: clinical testing. Allele origin: germline.
Comment: This variant has not been reported in the literature in individuals affected with LAMB3-related conditions. For these reasons, this variant has been classified as Pathogenic. A gross deletion of the genomic region encompassing the full coding sequence of the LAMB3 gene has been identified. Loss-of-function variants in LAMB3 are known to be pathogenic (PMID: 11023379, 16473856). The boundaries of this event are unknown as they extend beyond the assayed region for this gene and therefore may encompass additional genes.

Literature cited by the submitters: PubMed 11023379; PubMed 16473856.

NC_000001.10:g.(?_209788514)_(209825713_?)del

Gene: LAMB3 (laminin subunit beta 3; minus strand). Cytogenetic location: 1q32.2.
Variant type: Deletion.
Identifiers: ClinVar variation 2422610 (VCV002422610.4).